The following is an entry in ClinVar:

ClinVar aggregate classification (germline): Pathogenic (1 of 4 stars; one submission).

Submission:

Labcorp Genetics (formerly Invitae), Labcorp
Classification: Pathogenic. Last evaluated: 2018-07-06. Review status: criteria provided, single submitter. Criteria: Invitae Variant Classification Sherloc (09022015). Collection method: clinical testing. Allele origin: germline.
Comment: For these reasons, this variant has been classified as Pathogenic. Loss-of-function variants in SNAI2 are known to be pathogenic (PMID: 12444107). A similar deletion has been reported in several individuals affected with¬†piebaldism (PMID:¬†12955764). A gross deletion of the genomic region encompassing the full coding sequence of the SNAI2 gene has been identified. The boundaries of this event are unknown as the deletion extends beyond the assayed region for this gene and therefore may encompass additional genes.

Literature cited by the submitters: PubMed 12444107.

NC_000008.10:g.(?_48270390)_(49987806_?)del

Genes: PPDPFL (pancreatic progenitor cell differentiation and proliferation factor like; plus strand), PRKDC (protein kinase, DNA-activated, catalytic subunit; minus strand), CEBPD (CCAAT enhancer binding protein delta; minus strand), CLXN (calaxin; minus strand), MCM4 (minichromosome maintenance complex component 4; plus strand) and 3 more. Cytogenetic location: 8q11.21.
Variant type: Deletion.
Identifiers: ClinVar variation 662275 (VCV000662275.7).